The following is an entry in ClinVar:

NM_015512.5(DNAH1):c.10474+11C>T

Gene: DNAH1 (dynein axonemal heavy chain 1; plus strand). Cytogenetic location: 3p21.1.
Variant type: single nucleotide variant.
Coding change: c.10474+11C>T on transcript NM_015512.5 (MANE Select); 11 bases into the intron after coding-DNA position 10474, C replaced by T.
Molecular consequence: intron variant.
Genome position (GRCh38, 1-based): chr3:52,393,036, C>T. VCF-style: chr3-52393036-C-T. GRCh37 (hg19) VCF-style: chr3-52427052-C-T.
Identifiers: ClinVar variation 1446620 (VCV001446620.8), dbSNP rs750347751, ClinGen allele CA2435848.

ClinVar aggregate classification (germline): Uncertain significance (1 of 4 stars; one submission).

Conditions:
Ciliary dyskinesia, primary, 37 (CILD37). Also called: CILIARY DYSKINESIA, PRIMARY, 37, WITH OR WITHOUT SITUS INVERSUS. Identifiers: MedGen C4539798, MONDO:0033204, OMIM 617577.
Spermatogenic failure 18. Identifiers: MedGen C4539783, MONDO:0054615, OMIM 617576.

Allele frequency attached by ClinVar (database versions not stated): gnomAD exomes below 0.00001; ExAC 0.00001; gnomAD 0.00002 and 0.00003; TOPMed 0.00003.
gnomAD v4.1: 6 of 1,611,730 alleles (0.00037%); highest among the groups gnomAD compares: African/African-American, 0.0067%; no homozygotes.

Submission:

Labcorp Genetics (formerly Invitae), Labcorp
Classification: Uncertain significance for Ciliary dyskinesia, primary, 37; Spermatogenic failure 18. Last evaluated: 2024-09-17. Review status: criteria provided, single submitter. Criteria: Invitae Variant Classification Sherloc (09022015). Collection method: clinical testing. Allele origin: germline.
Comment: This sequence change falls in intron 65 of the DNAH1 gene. It does not directly change the encoded amino acid sequence of the DNAH1 protein. This variant is present in population databases (rs750347751, gnomAD 0.008%). This variant has not been reported in the literature in individuals affected with DNAH1-related conditions. ClinVar contains an entry for this variant (Variation ID: 1446620). Algorithms developed to predict the effect of sequence changes on RNA splicing suggest that this variant may create or strengthen a splice site. In summary, the available evidence is currently insufficient to determine the role of this variant in disease. Therefore, it has been classified as a Variant of Uncertain Significance.